The following is an entry in ClinVar:

NM_001081550.2(THOC2):c.869C>T (p.Pro290Leu)

Gene: THOC2 (THO complex subunit 2; minus strand). Cytogenetic location: Xq25.
Variant type: single nucleotide variant.
Coding change: c.869C>T on transcript NM_001081550.2 (MANE Select); coding-DNA position 869, C replaced by T.
Protein change: p.Pro290Leu; replaces proline 290 with leucine.
Molecular consequence: missense variant.
Genome position (GRCh38, 1-based): chrX:123,668,307, G>A on the plus strand (C>T on the coding strand, the complement: THOC2 is on the minus strand). VCF-style: chrX-123668307-G-A. GRCh37 (hg19) VCF-style: chrX-122802158-G-A.
Other names: short protein forms P290L.
Identifiers: ClinVar variation 2579455 (VCV002579455.2), dbSNP rs2521727268, ClinGen allele CA414271198.
Genomic context (GRCh38, chrX:123,668,307, plus strand): 5'-ACAATTTGCTTAGCTTCCGCAATTTCTCGTTTGTGTTCATCCATAATGCAATTATCAGCC[G>A]GAAGAAGCTAAAAATGGTACATTAAAATTTCATAAAATAGCTAATACCAACTACTTGTTC-3'
Protein context (NP_001075019.1, residues 280-300): DLDDLYVHLL[Pro290Leu]ADNCIMDEHK

ClinVar aggregate classification (germline): Uncertain significance (1 of 4 stars; one submission).

Allele frequency attached by ClinVar (database versions not stated): gnomAD exomes 0.00001.
gnomAD v4.1: 10 of 1,166,516 alleles (0.00086%); highest among the groups gnomAD compares: Non-Finnish European, 0.0011%; no homozygotes.

Submission:

GeneDx
Classification: Uncertain significance. Last evaluated: 2024-11-03. Review status: criteria provided, single submitter. Criteria: GeneDx Variant Classification Process June 2021. Collection method: clinical testing. Allele origin: germline. Affected: yes.
Comment: Not observed at significant frequency in large population cohorts (gnomAD); In silico analysis supports that this missense variant has a deleterious effect on protein structure/function; Has not been previously published as pathogenic or benign to our knowledge